The following is an entry in ClinVar:

NM_015331.3(NCSTN):c.1456-9C>T

Gene: NCSTN (nicastrin; plus strand). Cytogenetic location: 1q23.2.
Variant type: single nucleotide variant.
Coding change: c.1456-9C>T on transcript NM_015331.3 (MANE Select); 9 bases into the intron before coding-DNA position 1456, C replaced by T.
Molecular consequence: intron variant.
Genome position (GRCh38, 1-based): chr1:160,355,854, C>T. VCF-style: chr1-160355854-C-T. GRCh37 (hg19) VCF-style: chr1-160325644-C-T.
Other names: c.1396-9C>T (NM_001290184.2); c.1456-9C>T (NM_001349729.2, NM_015331.2); c.1042-9C>T (NM_001290186.2).
Identifiers: ClinVar variation 1959100 (VCV001959100.7), dbSNP rs200740830, ClinGen allele CA31540862.

ClinVar aggregate classification (germline): Likely benign. Review status: criteria provided, single submitter (1 of 4 stars). 2 submissions from 2 submitters: Likely benign (1). 1 of the submissions does not count toward it. Last evaluated 2022-08-24.

Conditions:
NCSTN-related disorder. Also called: NCSTN-related condition.

Allele frequency attached by ClinVar (database versions not stated): gnomAD exomes below 0.00001; gnomAD 0.00001.
gnomAD v4.1: 6 of 1,613,584 alleles (0.00037%); highest among the groups gnomAD compares: Non-Finnish European, 0.00051%; no homozygotes.

Submissions (2):

Labcorp Genetics (formerly Invitae), Labcorp
Classification: Likely benign. Last evaluated: 2022-08-24. Review status: criteria provided, single submitter. Criteria: Invitae Variant Classification Sherloc (09022015). Collection method: clinical testing. Allele origin: germline.

PreventionGenetics, part of Exact Sciences
Classification: Likely benign for NCSTN-related condition. Last evaluated: 2019-07-24. Review status: no assertion criteria provided. Collection method: clinical testing. Allele origin: germline. Not counted in ClinVar's aggregate classification.
Comment: This variant is classified as likely benign based on ACMG/AMP sequence variant interpretation guidelines (Richards et al. 2015 PMID: 25741868, with internal and published modifications).